The following is an entry in ClinVar:

NM_198253.3(TERT):c.316G>T (p.Gly106Trp)

Gene: TERT (telomerase reverse transcriptase; minus strand). Cytogenetic location: 5p15.33.
Variant type: single nucleotide variant.
Coding change: c.316G>T on transcript NM_198253.3 (MANE Select); coding-DNA position 316, G replaced by T.
Protein change: p.Gly106Trp; replaces glycine 106 with tryptophan.
Molecular consequence: missense variant. On other transcripts: non-coding transcript variant (2).
Genome position (GRCh38, 1-based): chr5:1,294,570, C>A on the plus strand (G>T on the coding strand, the complement: TERT is on the minus strand). VCF-style: chr5-1294570-C-A. GRCh37 (hg19) VCF-style: chr5-1294685-C-A.
Other names: c.316G>T, p.Gly106Trp (NM_001193376.3); short protein forms G106W.
Identifiers: ClinVar variation 1320718 (VCV001320718.6), dbSNP rs1751265277, ClinGen allele CA359058343.

ClinVar aggregate classification (germline): Uncertain significance. Review status: criteria provided, multiple submitters, no conflicts (2 of 4 stars). 2 submissions from 2 submitters: Uncertain significance (2). Last evaluated 2026-09-22.

Conditions:
Dyskeratosis congenita, autosomal dominant 2. Identifiers: MedGen C3151443, MONDO:0013521, OMIM 613989.
Idiopathic Pulmonary Fibrosis. Also called: Idiopathic fibrosing alveolitis, chronic form; idiopathic fibrosing alveolitis. Identifiers: Orphanet 2032, MedGen C1800706, MeSH D054990, MONDO:0800504.

Allele frequency attached by ClinVar (database versions not stated): gnomAD exomes below 0.00001.
gnomAD v4.1: 2 of 1,586,394 alleles (0.00013%); highest among the groups gnomAD compares: Non-Finnish European, 0.000085%; no homozygotes.

Submissions (2):

GeneDx
Classification: Uncertain significance. Last evaluated: 2026-09-22. Review status: criteria provided, single submitter. Criteria: GeneDx Variant Classification Process June 2021. Collection method: clinical testing. Allele origin: germline.
Comment: Reported in individuals with dyskeratosis congenita and a positive family history; however, additional clinical and segregation information was not included (PMID: 26329388); In silico analysis suggests that this missense variant does not alter protein structure/function; Published functional studies demonstrate reduced telomerase activity (PMID: 32150348); Not observed at significant frequency in large population cohorts (gnomAD); This variant is associated with the following publications: (PMID: 42709834, 26329388, 32150348)

Labcorp Genetics (formerly Invitae), Labcorp
Classification: Uncertain significance for Dyskeratosis congenita, autosomal dominant 2; Idiopathic Pulmonary Fibrosis. Last evaluated: 2022-12-18. Review status: criteria provided, single submitter. Criteria: Invitae Variant Classification Sherloc (09022015). Collection method: clinical testing. Allele origin: germline.
Comment: In summary, the available evidence is currently insufficient to determine the role of this variant in disease. Therefore, it has been classified as a Variant of Uncertain Significance. Advanced modeling of protein sequence and biophysical properties (such as structural, functional, and spatial information, amino acid conservation, physicochemical variation, residue mobility, and thermodynamic stability) performed at Invitae indicates that this missense variant is expected to disrupt TERT protein function. ClinVar contains an entry for this variant (Variation ID: 1320718). This missense change has been observed in individual(s) with clinical features of TERT associated conditions (PMID: 26329388, 32150348). This variant is not present in population databases (gnomAD no frequency). This sequence change replaces glycine, which is neutral and non-polar, with tryptophan, which is neutral and slightly polar, at codon 106 of the TERT protein (p.Gly106Trp).

Literature cited by the submitters: PubMed 26329388 (cited by Labcorp Genetics (formerly Invitae), Labcorp); PubMed 32150348 (cited by Labcorp Genetics (formerly Invitae), Labcorp).